The following is an entry in ClinVar:

ClinVar aggregate classification (germline): Uncertain significance. Review status: criteria provided, multiple submitters, no conflicts (2 of 4 stars). 3 submissions from 3 submitters: Uncertain significance (3). Last evaluated 2025-01-16.

Conditions:
Hereditary cancer-predisposing syndrome. Also called: Hereditary neoplastic syndrome; Neoplastic Syndromes, Hereditary; Tumor predisposition; Hereditary Cancer Syndrome. Identifiers: Orphanet 140162, MedGen C0027672, MeSH D009386, MONDO:0015356.

Submissions (3):

Ambry Genetics
Classification: Uncertain significance for Hereditary cancer-predisposing syndrome. Last evaluated: 2025-01-16. Review status: criteria provided, single submitter. Criteria: Ambry Variant Classification Scheme 2023. Collection method: clinical testing. Allele origin: germline.
Comment: The p.R107P variant (also known as c.320G>C), located in coding exon 4 of the PMS2 gene, results from a G to C substitution at nucleotide position 320. The arginine at codon 107 is replaced by proline, an amino acid with dissimilar properties. This amino acid position is highly conserved in available vertebrate species. In addition, this alteration is predicted to be deleterious by in silico analysis. Based on the available evidence, the clinical significance of this variant remains unclear.

Color Diagnostics, LLC DBA Color Health
Classification: Uncertain significance for Hereditary cancer-predisposing syndrome. Last evaluated: 2018-10-31. Review status: criteria provided, single submitter. Criteria: ACMG Guidelines, 2015. Collection method: clinical testing. Allele origin: germline.

GeneDx
Classification: Uncertain significance. Last evaluated: 2016-09-01. Review status: criteria provided, single submitter. Criteria: GeneDx Variant Classification (06012015). Collection method: clinical testing. Allele origin: germline. Affected: yes.
Comment: This variant is denoted PMS2 c.320G>C at the cDNA level, p.Arg107Pro (R107P) at the protein level, and results in the change of an Arginine to a Proline (CGG>CCG). This variant has not, to our knowledge, been published in the literature as pathogenic or benign. PMS2 Arg107Pro was not observed in approximately 6,500 individuals of European and African American ancestry in the NHLBI Exome Sequencing Project, suggesting it is not a common benign variant in these populations. Since Arginine and Proline differ in polarity, charge, size or other properties, this is considered a non-conservative amino acid substitution. PMS2 Arg107Pro occurs at a position that is conserved across species and is located within the ATPase domain (Guarne 2001, Fukui 2011). In silico analyses predict that this variant is probably damaging to protein structure and function. Based on currently available evidence, it is unclear whether PMS2 Arg107Pro is a pathogenic or benign variant. We consider it to be a variant of uncertain significance.

NM_000535.7(PMS2):c.320G>C (p.Arg107Pro)

Gene: PMS2 (PMS1 homolog 2, mismatch repair system component; minus strand). Cytogenetic location: 7p22.1.
Variant type: single nucleotide variant.
Coding change: c.320G>C on transcript NM_000535.7 (MANE Select); coding-DNA position 320, G replaced by C.
Protein change: p.Arg107Pro; replaces arginine 107 with proline.
Molecular consequence: missense variant. On other transcripts: 5 prime UTR variant (9), non-coding transcript variant (1), intron variant (2).
Genome position (GRCh38, 1-based): chr7:6,003,723, C>G on the plus strand (G>C on the coding strand, the complement: PMS2 is on the minus strand). VCF-style: chr7-6003723-C-G. GRCh37 (hg19) VCF-style: chr7-6043354-C-G.
Other names: c.-86G>C (NM_001322003.2, NM_001322004.2, NM_001322005.2 and 3 more transcripts); c.320G>C, p.Arg107Pro (NM_001322006.2, NM_001322014.2); c.-565G>C (NM_001322011.2, NM_001322012.2); c.-165G>C (NM_001322015.2); c.35+249G>C (NM_001322008.2, NM_001322007.2); short protein forms R107P.
Identifiers: ClinVar variation 422161 (VCV000422161.9), dbSNP rs63751284, ClinGen allele CA16618535.
Genomic context (GRCh38, chr7:6,003,723, plus strand): 5'-AGTGAGTGGATAAAAATATTGTATCACCTCAGTGCACAAAGTGAGCTCAGAGCTTCCCCC[C>G]GAAAGCCAAAAGTTTCAACCTGAGTTAGGTCGGCAAACTCTTGAATCTTAGATGTGTGAT-3'
Protein context (NP_000526.2, residues 97-117): DLTQVETFGF[Arg107Pro]GEALSSLCAL